The following is an entry in ClinVar:

NM_001942.4(DSG1):c.2087G>T (p.Ser696Ile)

Genes: DSG1 (desmoglein 1; plus strand), DSG1-AS1 (DSG1 antisense RNA 1; minus strand). Cytogenetic location: 18q12.1.
Variant type: single nucleotide variant.
Coding change: c.2087G>T on transcript NM_001942.4 (MANE Select); coding-DNA position 2087, G replaced by T.
Protein change: p.Ser696Ile; replaces serine 696 with isoleucine.
Molecular consequence: missense variant.
Genome position (GRCh38, 1-based): chr18:31,346,185, G>T. VCF-style: chr18-31346185-G-T. GRCh37 (hg19) VCF-style: chr18-28926148-G-T.
Other names: short protein forms S696I.
Identifiers: ClinVar variation 1418509 (VCV001418509.8), dbSNP rs1452196675, ClinGen allele CA402119030.
Genomic context (GRCh38, chr18:31,346,185, plus strand): 5'-TAAGAAGAAATTCTATGAGGGAATGTAGAGAAGGAGGTCTGAATATGAATTTCATGGAAA[G>T]CTACTTCTGTCAGGTAAGGTCCCTAGCCACATGCCTTTCTCGCCATCCATGTGCCTGCTG-3'
Protein context (NP_001933.2, residues 686-706): EGGLNMNFME[Ser696Ile]YFCQKAYAYA

ClinVar aggregate classification (germline): Uncertain significance (1 of 4 stars; one submission).

Allele frequency attached by ClinVar (database versions not stated): gnomAD exomes below 0.00001.
gnomAD v4.1: 1 of 1,613,660 alleles (0.000062%); highest among the groups gnomAD compares: Non-Finnish European, 0.000085%; no homozygotes.

Submission:

Labcorp Genetics (formerly Invitae), Labcorp
Classification: Uncertain significance. Last evaluated: 2021-05-25. Review status: criteria provided, single submitter. Criteria: Invitae Variant Classification Sherloc (09022015). Collection method: clinical testing. Allele origin: germline.
Comment: In summary, the available evidence is currently insufficient to determine the role of this variant in disease. Therefore, it has been classified as a Variant of Uncertain Significance. This sequence change replaces serine with isoleucine at codon 696 of the DSG1 protein (p.Ser696Ile). The serine residue is highly conserved and there is a large physicochemical difference between serine and isoleucine. This variant is not present in population databases (ExAC no frequency). This variant has not been reported in the literature in individuals with DSG1-related conditions. Algorithms developed to predict the effect of missense changes on protein structure and function (SIFT, PolyPhen-2, Align-GVGD) all suggest that this variant is likely to be disruptive, but these predictions have not been confirmed by published functional studies and their clinical significance is uncertain.